The following is an entry in ClinVar:

ClinVar aggregate classification (germline): Pathogenic. Review status: criteria provided, multiple submitters, no conflicts (2 of 4 stars). 6 submissions from 6 submitters: Pathogenic (6). Last evaluated 2025-06-06.

Conditions:
Hereditary cancer-predisposing syndrome. Also called: Hereditary Cancer Syndrome; Neoplastic Syndromes, Hereditary; Hereditary neoplastic syndrome; Tumor predisposition. Identifiers: Orphanet 140162, MedGen C0027672, MeSH D009386, MONDO:0015356.
Birt-Hogg-Dube syndrome. Also called: Birt Hogg Dubé syndrome. Identifiers: Orphanet 122, MedGen C0346010, MONDO:0800444.

Submissions (6):

Quest Diagnostics Nichols Institute San Juan Capistrano
Classification: Pathogenic. Last evaluated: 2025-06-06. Review status: criteria provided, single submitter. Criteria: Quest Diagnostics criteria. Collection method: clinical testing. Allele origin: unknown.
Comment: The FLCN c.346C>T (p.Gln116*) variant causes the premature termination of FLCN protein synthesis. This variant has been reported in the published literature in individuals with Birt-Hogg-Dubé syndrome and ovarian cancer (PMID: 30580288 (2019)). This variant has not been reported in large, multi-ethnic general populations (Genome Aggregation Database). Based on the available information, this variant is classified as pathogenic.

Labcorp Genetics (formerly Invitae), Labcorp
Classification: Pathogenic for Birt-Hogg-Dube syndrome. Last evaluated: 2025-05-07. Review status: criteria provided, single submitter. Criteria: Invitae Variant Classification Sherloc (09022015). Collection method: clinical testing. Allele origin: germline.
Comment: This sequence change creates a premature translational stop signal (p.Gln116*) in the FLCN gene. It is expected to result in an absent or disrupted protein product. Loss-of-function variants in FLCN are known to be pathogenic (PMID: 15852235). This variant is not present in population databases (gnomAD no frequency). This premature translational stop signal has been observed in individual(s) with clinical features of Birt-Hogg-Dubé syndrome (PMID: 18234728, 30580288). ClinVar contains an entry for this variant (Variation ID: 96484). For these reasons, this variant has been classified as Pathogenic.

Ambry Genetics
Classification: Pathogenic for Hereditary cancer-predisposing syndrome. Last evaluated: 2024-09-10. Review status: criteria provided, single submitter. Criteria: Ambry Variant Classification Scheme 2023. Collection method: clinical testing. Allele origin: germline.
Comment: The p.Q116* pathogenic mutation (also known as c.346C>T), located in coding exon 2 of the FLCN gene, results from a C to T substitution at nucleotide position 346. This changes the amino acid from a glutamine to a stop codon within coding exon 2. This variant is considered to be rare based on population cohorts in the Genome Aggregation Database (gnomAD). This alteration is expected to result in loss of function by premature protein truncation or nonsense-mediated mRNA decay. As such, this alteration is interpreted as a disease-causing mutation.

Myriad Genetics, Inc.
Classification: Pathogenic for Birt-Hogg-Dube syndrome 1. Last evaluated: 2023-11-29. Review status: criteria provided, single submitter. Criteria: Myriad Autosomal Dominant, Autosomal Recessive and X-Linked Classification Criteria (2023). Collection method: clinical testing. Allele origin: unknown.
Comment: This variant is considered pathogenic. This variant creates a termination codon and is predicted to result in premature protein truncation.

Genomic Diagnostic Laboratory, Division of Genomic Diagnostics, Children's Hospital of Philadelphia
Classification: Pathogenic for Birt-Hogg-Dube Syndrome. Last evaluated: 2016-07-18. Review status: criteria provided, single submitter. Criteria: DGD Variant Analysis Guidelines. Collection method: clinical testing. Allele origin: germline. Affected: yes. Observed: 1 variant allele.
Comment: Clinical Testing

Eurofins Ntd Llc (ga)
Classification: Pathogenic. Last evaluated: 2013-08-07. Review status: criteria provided, single submitter. Criteria: EGL Classification Definitions 2015. Collection method: clinical testing. Allele origin: germline. Observed: 2 variant alleles, 2 heterozygotes.

Literature cited by the submitters: PubMed 18234728 (cited by Quest Diagnostics Nichols Institute San Juan Capistrano and Labcorp Genetics (formerly Invitae), Labcorp); PubMed 30580288 (cited by Quest Diagnostics Nichols Institute San Juan Capistrano and Labcorp Genetics (formerly Invitae), Labcorp); PubMed 15852235 (cited by Labcorp Genetics (formerly Invitae), Labcorp).

NM_144997.7(FLCN):c.346C>T (p.Gln116Ter)

Gene: FLCN (folliculin; minus strand). Cytogenetic location: 17p11.2.
Variant type: single nucleotide variant.
Coding change: c.346C>T on transcript NM_144997.7 (MANE Select); coding-DNA position 346, C replaced by T.
Protein change: p.Gln116Ter; replaces glutamine 116 with a stop codon.
Molecular consequence: nonsense.
Genome position (GRCh38, 1-based): chr17:17,226,226, G>A on the plus strand (C>T on the coding strand, the complement: FLCN is on the minus strand). VCF-style: chr17-17226226-G-A. GRCh37 (hg19) VCF-style: chr17-17129540-G-A.
Other names: c.346C>T, p.Gln116* (LRG_325t1); c.346C>T, p.Gln116Ter (NM_001353229.2, NM_001353230.2, NM_001353231.2 and 1 more transcripts); c.346C>T (NM_144997.6); short protein forms Q116*.
Identifiers: ClinVar variation 96484 (VCV000096484.19), dbSNP rs398124536, ClinGen allele CA224169.